The following is an entry in ClinVar:

NM_152419.3(HGSNAT):c.1545G>T (p.Gly515=)

Gene: HGSNAT (heparan-alpha-glucosaminide N-acetyltransferase; plus strand). Cytogenetic location: 8p11.21.
Variant type: single nucleotide variant.
Coding change: c.1545G>T on transcript NM_152419.3 (MANE Select); coding-DNA position 1545, G replaced by T.
Protein change: p.Gly515=; no amino-acid change (glycine 515 retained).
Molecular consequence: synonymous variant.
Genome position (GRCh38, 1-based): chr8:43,197,674, G>T. VCF-style: chr8-43197674-G-T. GRCh37 (hg19) VCF-style: chr8-43052817-G-T.
Other names: p.Gly515=; c.1632G>T, p.Gly544= (NM_001363227.2); c.1353G>T, p.Gly451= (NM_001363228.2); c.681G>T, p.Gly227= (NM_001363229.2).
Identifiers: ClinVar variation 2926895 (VCV002926895.4), dbSNP rs1440154264, ClinGen allele CA460579511.

ClinVar aggregate classification (germline): Likely benign. Review status: criteria provided, multiple submitters, no conflicts (2 of 4 stars). 2 submissions from 2 submitters: Likely benign (2). Last evaluated 2024-10-09.

Conditions:
Retinitis pigmentosa 73 (RP73). Identifiers: Orphanet 791, MedGen C4225287, MONDO:0014687, OMIM 616544.
Mucopolysaccharidosis, MPS-III-C (MPS3C). Also called: SANFILIPPO SYNDROME C; MPS III C; Mucopolysaccharidosis type IIIC (Sanfilippo C); MUCOPOLYSACCHARIDOSIS, TYPE IIIC; mucopolysaccharidosis type 3C; MPS IIIC (Sanfilippo Syndrome Type C). Identifiers: Orphanet 581, Orphanet 79271, MedGen C0086649, MONDO:0009657, OMIM 252930.

Submissions (2):

Mayo Clinic Laboratories, Mayo Clinic
Classification: Likely benign. Last evaluated: 2024-10-09. Review status: criteria provided, single submitter. Criteria: ACMG Guidelines, 2015. Collection method: clinical testing. Allele origin: germline. Observed: 1 variant allele.
Comment: BP4, BP7, PM2_supporting

Labcorp Genetics (formerly Invitae), Labcorp
Classification: Likely benign for Retinitis pigmentosa 73; Mucopolysaccharidosis, MPS-III-C. Last evaluated: 2023-01-12. Review status: criteria provided, single submitter. Criteria: Invitae Variant Classification Sherloc (09022015). Collection method: clinical testing. Allele origin: germline.